The following is an entry in ClinVar:

ClinVar aggregate classification (germline): Likely pathogenic. Review status: reviewed by expert panel (3 of 4 stars). 2 submissions from 2 submitters: Likely pathogenic (1). 1 of the submissions does not count toward it. Last evaluated 2026-10-02.

Conditions:
Myelodysplasia. Identifiers: MedGen C0026985, HP:0002863.
Hereditary thrombocytopenia and hematologic cancer predisposition syndrome. Identifiers: Orphanet 71290, MedGen CN281654, MONDO:0011071.

Submissions (2):

ClinGen Myeloid Malignancy Variant Curation Expert Panel
Classification: Likely pathogenic for Hereditary thrombocytopenia and hematologic cancer predisposition syndrome. Last evaluated: 2026-10-02. Review status: reviewed by expert panel. Criteria: ClinGen MyeloMalig ACMG Specifications V3.1. Collection method: curation. Allele origin: germline. Inheritance: Autosomal dominant inheritance.
Comment: NM_001754.5(RUNX1):c.1088_1094del (p.Gly363AlafsTer?) is a frameshift variant which is not predicted to undergo NMD (PVS1_Strong). This variant is downstream of c.98 (PM5_Supporting) and is completely absent from all population databases with at least 20x coverage for RUNX1 (PM2_Supporting). This variant has been reported in one proband meeting at least one of the RUNX1-phenotypic criteria (PS4_ Supporting; PMID: 18723428) and was found to co-segregate with disease in multiple affected family members, with four meioses observed in one family (PP1_Supporting; PMID: 18723428). In summary, this variant meets criteria to be classified as likely pathogenic. ACMG/AMP criteria applied, as specified by the ClinGen Myeloid Malignancy Variant Curation Expert Panel for RUNX1: PVS1_Strong, PM5_Supporting, PM2_Supporting, PS4_Supporting, PP1_Supporting.

Bone Marrow Failure laboratory, Queen Mary University London
Classification: Pathogenic for Myelodysplasia. Last evaluated: 2021-01-20. Review status: criteria provided, single submitter. Criteria: ACMG Guidelines, 2015. Collection method: research. Allele origin: germline. Affected: yes. Not counted in ClinVar's aggregate classification.
Comment: It segregates with the disease in three brothers who have MDS, thrombocytopenia and leukemia, respectively. The following ACMG/AMP criteria were used: PVS1, PM2, PP1 and PP3.

Literature cited by the submitters: PubMed 18723428 (cited by Bone Marrow Failure laboratory, Queen Mary University London).

NM_001754.5(RUNX1):c.1088_1094del (p.Gly363fs)

Gene: RUNX1 (RUNX family transcription factor 1; minus strand). Cytogenetic location: 21q22.12.
Variant type: Deletion.
Coding change: c.1088_1094del on transcript NM_001754.5 (MANE Select); coding-DNA positions 1088 to 1094, 7 bases deleted (GCATCGG; older notation c.1088_1094delGCATCGG).
Protein change: p.Gly363fs; shifts the reading frame from glycine 363.
Molecular consequence: frameshift variant.
Genome position (GRCh38, 1-based): chr21:34,792,484-34,792,490, CCGATGC deleted on the plus strand (GCATCGG on the coding strand, the reverse complement: RUNX1 is on the minus strand); deleting any 7 consecutive bases within chr21:34,792,484-34,792,494 gives the same sequence; the c. name uses the placement nearest the transcript's 3' end. VCF-style (leftmost placement, unchanged base first): chr21-34792483-GCCGATGC-G. GRCh37 (hg19) VCF-style: chr21-36164780-GCCGATGC-G.
Other names: NM_001754.5(RUNX1):c.1088_1094del; p.Gly363fs; c.1007_1013del, p.Gly336fs (NM_001001890.3); short protein forms G336fs, G363fs.
Identifiers: ClinVar variation 1013621 (VCV001013621.4), dbSNP rs2056458051, ClinGen allele CA913189275.